The following is an entry in ClinVar:

NM_000179.3(MSH6):c.452A>T (p.Tyr151Phe)

Gene: MSH6 (mutS homolog 6; plus strand). Cytogenetic location: 2p16.3.
Variant type: single nucleotide variant.
Coding change: c.452A>T on transcript NM_000179.3 (MANE Select); coding-DNA position 452, A replaced by T.
Protein change: p.Tyr151Phe; replaces tyrosine 151 with phenylalanine.
Molecular consequence: missense variant. On other transcripts: 5 prime UTR variant (2), intron variant (1).
Genome position (GRCh38, 1-based): chr2:47,791,118, A>T. VCF-style: chr2-47791118-A-T. GRCh37 (hg19) VCF-style: chr2-48018257-A-T.
Other names: c.-285A>T (NM_001281493.2); c.-451A>T (NM_001281494.2); c.238-7493A>T (NM_001281492.2); short protein forms Y151F.
Identifiers: ClinVar variation 232252 (VCV000232252.5), dbSNP rs876659649, ClinGen allele CA10578035.

ClinVar aggregate classification (germline): Uncertain significance (1 of 4 stars; one submission).

Conditions:
Hereditary cancer-predisposing syndrome. Also called: Neoplastic Syndromes, Hereditary; Tumor predisposition; Hereditary Cancer Syndrome; Hereditary neoplastic syndrome. Identifiers: Orphanet 140162, MedGen C0027672, MeSH D009386, MONDO:0015356.

Submission:

Ambry Genetics
Classification: Uncertain significance for Hereditary cancer-predisposing syndrome. Last evaluated: 2015-06-09. Review status: criteria provided, single submitter. Criteria: Ambry Variant Classification Scheme 2023. Collection method: clinical testing. Allele origin: germline.
Comment: The p.Y151F variant (also known as c.452A>T), located in coding exon 2 of the MSH6 gene, results from an A to T substitution at nucleotide position 452. The tyrosine at codon 151 is replaced by phenylalanine, an amino acid with highly similar properties. This variant was not reported in population based cohorts in the following databases: Database of Single Nucleotide Polymorphisms (dbSNP), NHLBI Exome Sequencing Project (ESP), and 1000 Genomes Project. In the ESP, this variant was not observed in 6503 samples (13006 alleles) with coverage at this position. To date, this alteration has been detected with an allele frequency of approximately 0.002% (greater than 65000 alleles tested) in our clinical cohort. This amino acid position is well conserved in available vertebrate species. In addition, this alteration is predicted to be tolerated by in silico analysis. Since supporting evidence is limited at this time, the clinical significance of p.Y151F remains unclear.